The following is an entry in ClinVar:

NC_000023.11:g.18650544C>T

Genes: CDKL5 (cyclin dependent kinase like 5; plus strand), RS1 (retinoschisin 1; minus strand). Cytogenetic location: Xp22.13.
Variant type: single nucleotide variant.
Molecular consequence: intron variant (on NM_000330.4). On other transcripts: missense variant (2).
Genome position: GRCh38 VCF-style: chrX-18650544-C-T. GRCh37 (hg19) VCF-style: chrX-18668664-C-T.
Other names: c.2932C>T, p.Leu978Phe (NM_001037343.2, NM_003159.3); c.185-3212G>A (NM_000330.4); short protein forms L978F.
Identifiers: ClinVar variation 934650 (VCV000934650.9), dbSNP rs1927986563, ClinGen allele CA412373737.

ClinVar aggregate classification (germline): Uncertain significance (1 of 4 stars; one submission).

Conditions:
Developmental and epileptic encephalopathy, 2 (DEE2). Also called: INFANTILE SPASM SYNDROME, X-LINKED 2; CDKL5 deficiency disorder. Identifiers: Orphanet 1934, Orphanet 3451, Orphanet 505652, MedGen C4750718, MONDO:0010396, OMIM 300672.
Angelman syndrome-like. Identifiers: MedGen CN128785.

Submission:

Labcorp Genetics (formerly Invitae), Labcorp
Classification: Uncertain significance for Developmental and epileptic encephalopathy, 2; Angelman syndrome-like. Last evaluated: 2021-09-15. Review status: criteria provided, single submitter. Criteria: Invitae Variant Classification Sherloc (09022015). Collection method: clinical testing. Allele origin: germline.
Comment: In summary, the available evidence is currently insufficient to determine the role of this variant in disease. Therefore, it has been classified as a Variant of Uncertain Significance. Algorithms developed to predict the effect of missense changes on protein structure and function are either unavailable or do not agree on the potential impact of this missense change (SIFT: "Tolerated"; PolyPhen-2: "Possibly Damaging"; Align-GVGD: "Class C0"). This variant has not been reported in the literature in individuals affected with CDKL5-related conditions. This variant is not present in population databases (ExAC no frequency). This sequence change replaces leucine with phenylalanine at codon 978 of the CDKL5 protein (p.Leu978Phe). The leucine residue is weakly conserved and there is a small physicochemical difference between leucine and phenylalanine.